The following is an entry in ClinVar:

NM_001013672.5(LIAT1):c.642C>T (p.Gly214=)

Genes: LIAT1 (ligand of ATE1; plus strand), LOC105371430 (uncharacterized LOC105371430; minus strand). Cytogenetic location: 17p13.3.
Variant type: single nucleotide variant.
Coding change: c.642C>T on transcript NM_001013672.5 (MANE Select); coding-DNA position 642, C replaced by T.
Protein change: p.Gly214=; no amino-acid change (glycine 214 retained).
Molecular consequence: synonymous variant.
Genome position (GRCh38, 1-based): chr17:413,485, C>T. VCF-style: chr17-413485-C-T. GRCh37 (hg19) VCF-style: chr17-263276-C-T.
Identifiers: ClinVar variation 2647155 (VCV002647155.24), dbSNP rs782094607, ClinGen allele CA8260632.

ClinVar aggregate classification (germline): Likely benign (1 of 4 stars; one submission).

Allele frequency attached by ClinVar (database versions not stated): ExAC 0.00001.

Submission:

CeGaT Center for Human Genetics Tuebingen
Classification: Likely benign. Last evaluated: 2025-06-01. Review status: criteria provided, single submitter. Criteria: CeGaT Center For Human Genetics Tuebingen Variant Classification Criteria Version 2. Collection method: clinical testing. Allele origin: germline. Affected: yes. Observed: 2 variant alleles.
Comment: LIAT1: BP4, BP7